The following is an entry in ClinVar:

ClinVar aggregate classification (germline): Pathogenic (1 of 4 stars; one submission).

Conditions:
Inborn genetic diseases. Identifiers: MedGen C0950123, MeSH D030342.

Submission:

Ambry Genetics
Classification: Pathogenic for Inborn genetic diseases. Last evaluated: 2021-04-28. Review status: criteria provided, single submitter. Criteria: Ambry Variant Classification Scheme 2023. Collection method: clinical testing. Allele origin: germline.
Comment: The c.746G>A (p.W249*) alteration, located in exon 8 (coding exon 8) of the BRWD3 gene, consists of a G to A substitution at nucleotide position 746. This changes the amino acid from a tryptophan (W) to a stop codon at amino acid position 249. This alteration is expected to result in loss of function by premature protein truncation or nonsense-mediated mRNA decay. Based on data from the Genome Aggregation Database (gnomAD), the BRWD3 c.746G>A alteration was not observed, with coverage at this position. Based on the available evidence, this alteration is classified as pathogenic.

NM_153252.5(BRWD3):c.746G>A (p.Trp249Ter)

Gene: BRWD3 (bromodomain and WD repeat domain containing 3; minus strand). Cytogenetic location: Xq21.1.
Variant type: single nucleotide variant.
Coding change: c.746G>A on transcript NM_153252.5 (MANE Select); coding-DNA position 746, G replaced by A.
Protein change: p.Trp249Ter; replaces tryptophan 249 with a stop codon.
Molecular consequence: nonsense.
Genome position (GRCh38, 1-based): chrX:80,744,099, C>T on the plus strand (G>A on the coding strand, the complement: BRWD3 is on the minus strand). VCF-style: chrX-80744099-C-T. GRCh37 (hg19) VCF-style: chrX-79999598-C-T.
Other names: short protein forms W249*.
Identifiers: ClinVar variation 2230326 (VCV002230326.2), dbSNP rs2520537460, ClinGen allele CA413606724.
Genomic context (GRCh38, chrX:80,744,099, plus strand): 5'-GAAGTAATAGAAGCTGAATGGCCCTGAAGGACTGCAACGGGTGCACAAGTTCGAAGACAC[C>T]ATACTCTTACTACCTTATCACAGCTGCCTGCAGCAATAAGAGTGTTTTCATAGTTAACAG-3'